The following is an entry in ClinVar:

NM_207361.6(FREM2):c.4325A>G (p.Asp1442Gly)

Gene: FREM2 (FRAS1 related extracellular matrix 2; plus strand). Cytogenetic location: 13q13.3.
Variant type: single nucleotide variant.
Coding change: c.4325A>G on transcript NM_207361.6 (MANE Select); coding-DNA position 4325, A replaced by G.
Protein change: p.Asp1442Gly; replaces aspartic acid 1442 with glycine.
Molecular consequence: missense variant.
Genome position (GRCh38, 1-based): chr13:38,691,669, A>G. VCF-style: chr13-38691669-A-G. GRCh37 (hg19) VCF-style: chr13-39265806-A-G.
Other names: short protein forms D1442G.
Identifiers: ClinVar variation 2416588 (VCV002416588.4), dbSNP rs763043669, ClinGen allele CA6954967.

ClinVar aggregate classification (germline): Uncertain significance. Review status: criteria provided, multiple submitters, no conflicts (2 of 4 stars). 2 submissions from 2 submitters: Uncertain significance (2). Last evaluated 2024-04-22.

Conditions:
Fraser syndrome 2 (FRASRS2). Identifiers: MedGen C4540036, MONDO:0054738, OMIM 617666.
Isolated cryptophthalmia. Also called: Cryptophthalmos, unilateral or bilateral, isolated; ANKYLOBLEPHARON, SIMPLE. Identifiers: Orphanet 91396, MedGen C1852453, MONDO:0007410, OMIM 123570.

Allele frequency attached by ClinVar (database versions not stated): TOPMed below 0.00001; ExAC 0.00001; gnomAD 0.00001; gnomAD exomes 0.00001.
gnomAD v4.1: 14 of 1,614,006 alleles (0.00087%); highest among the groups gnomAD compares: East Asian, 0.0067%; no homozygotes.

Submissions (2):

Fulgent Genetics
Classification: Uncertain significance for Isolated cryptophthalmia; Fraser syndrome 2. Last evaluated: 2024-04-22. Review status: criteria provided, single submitter. Criteria: ACMG Guidelines, 2015. Collection method: clinical testing. Allele origin: germline.

Labcorp Genetics (formerly Invitae), Labcorp
Classification: Uncertain significance. Last evaluated: 2022-10-17. Review status: criteria provided, single submitter. Criteria: Invitae Variant Classification Sherloc (09022015). Collection method: clinical testing. Allele origin: germline.
Comment: This sequence change replaces aspartic acid, which is acidic and polar, with glycine, which is neutral and non-polar, at codon 1442 of the FREM2 protein (p.Asp1442Gly). This variant is present in population databases (rs763043669, gnomAD 0.005%). This variant has not been reported in the literature in individuals affected with FREM2-related conditions. Advanced modeling of protein sequence and biophysical properties (such as structural, functional, and spatial information, amino acid conservation, physicochemical variation, residue mobility, and thermodynamic stability) performed at Invitae indicates that this missense variant is expected to disrupt FREM2 protein function. In summary, the available evidence is currently insufficient to determine the role of this variant in disease. Therefore, it has been classified as a Variant of Uncertain Significance.